The following is an entry in ClinVar:

NM_001032386.2(SUOX):c.691C>T (p.Arg231Cys)

Gene: SUOX (sulfite oxidase; plus strand). Cytogenetic location: 12q13.2.
Variant type: single nucleotide variant.
Coding change: c.691C>T on transcript NM_001032386.2 (MANE Select); coding-DNA position 691, C replaced by T.
Protein change: p.Arg231Cys; replaces arginine 231 with cysteine.
Molecular consequence: missense variant.
Genome position (GRCh38, 1-based): chr12:56,004,080, C>T. VCF-style: chr12-56004080-C-T. GRCh37 (hg19) VCF-style: chr12-56397864-C-T.
Other names: c.691C>T, p.Arg231Cys (NM_000456.3, NM_001032387.2); short protein forms R231C.
Identifiers: ClinVar variation 1017133 (VCV001017133.5), dbSNP rs368523434, ClinGen allele CA6621025.

ClinVar aggregate classification (germline): Uncertain significance (1 of 4 stars; one submission).

Conditions:
Sulfite oxidase deficiency. Also called: Isolated sulfite oxidase deficiency. Identifiers: Orphanet 833, Orphanet 99731, MedGen C0268624, MONDO:0010089, OMIM 272300, HP:0003643.

Allele frequency attached by ClinVar (database versions not stated): gnomAD 0.00001; gnomAD exomes 0.00001 and 0.00005; TOPMed 0.00003; ExAC 0.00006; ESP Exome Variant Server 0.00008.
gnomAD v4.1: 12 of 1,614,090 alleles (0.00074%); highest among the groups gnomAD compares: East Asian, 0.02%; no homozygotes.

Submission:

Labcorp Genetics (formerly Invitae), Labcorp
Classification: Uncertain significance for Sulfite oxidase deficiency. Last evaluated: 2022-07-05. Review status: criteria provided, single submitter. Criteria: Invitae Variant Classification Sherloc (09022015). Collection method: clinical testing. Allele origin: germline.
Comment: This sequence change replaces arginine, which is basic and polar, with cysteine, which is neutral and slightly polar, at codon 231 of the SUOX protein (p.Arg231Cys). This variant is present in population databases (rs368523434, gnomAD 0.07%). This variant has not been reported in the literature in individuals affected with SUOX-related conditions. ClinVar contains an entry for this variant (Variation ID: 1017133). Algorithms developed to predict the effect of missense changes on protein structure and function are either unavailable or do not agree on the potential impact of this missense change (SIFT: "Deleterious"; PolyPhen-2: "Benign"; Align-GVGD: "Class C25"). In summary, the available evidence is currently insufficient to determine the role of this variant in disease. Therefore, it has been classified as a Variant of Uncertain Significance.